The following is an entry in ClinVar:

NM_030662.4(MAP2K2):c.415A>G (p.Ser139Gly)

Gene: MAP2K2 (mitogen-activated protein kinase kinase 2; minus strand). Cytogenetic location: 19p13.3.
Variant type: single nucleotide variant.
Coding change: c.415A>G on transcript NM_030662.4 (MANE Select); coding-DNA position 415, A replaced by G.
Protein change: p.Ser139Gly; replaces serine 139 with glycine.
Molecular consequence: missense variant.
Genome position (GRCh38, 1-based): chr19:4,110,544, T>C on the plus strand (A>G on the coding strand, the complement: MAP2K2 is on the minus strand). VCF-style: chr19-4110544-T-C. GRCh37 (hg19) VCF-style: chr19-4110542-T-C.
Other names: NC_000019.9:g.4110542T>C; short protein forms S139G.
Identifiers: ClinVar variation 1738318 (VCV001738318.3), dbSNP rs2512318218, ClinGen allele CA403391330.
Genomic context (GRCh38, chr19:4,110,544, plus strand): 5'-CTGCCCCTGCCCCGGACGCACTCACCATGTGTTCCATGCAAATGCTGATCTCCCCGTCAC[T>C]GTAGAAGGCCCCGTAGAAGCCCACGATGTACGGCGAGTTGCATTCGTGCAGGACCTGCAG-3'
Protein context (NP_109587.1, residues 129-149): YIVGFYGAFY[Ser139Gly]DGEISICMEH

ClinVar aggregate classification (germline): Uncertain significance (1 of 4 stars; one submission).

Conditions:
Cardiovascular phenotype. Identifiers: MedGen CN230736.

Allele frequency attached by ClinVar (database versions not stated): gnomAD exomes below 0.00001.

Submissions (2):

Ambry Genetics
Classification: Uncertain significance for Cardiovascular phenotype. Last evaluated: 2022-05-02. Review status: criteria provided, single submitter. Criteria: Ambry Variant Classification Scheme 2023. Collection method: clinical testing. Allele origin: germline.
Comment: The p.S139G variant (also known as c.415A>G), located in coding exon 3 of the MAP2K2 gene, results from an A to G substitution at nucleotide position 415. The serine at codon 139 is replaced by glycine, an amino acid with similar properties. This amino acid position is conserved. In addition, the in silico prediction for this alteration is inconclusive. Since supporting evidence is limited at this time, the clinical significance of this alteration remains unclear.

Dr. Peter K. Rogan Lab, Western University
No classification provided (evidence only). Condition: Sarcoma. Review status: no classification provided. Collection method: in vitro. Allele origin: not applicable. Functional consequence: skipped exon, retained intron. Not counted in ClinVar's aggregate classification.